The following is an entry in ClinVar:

NM_022114.4(PRDM16):c.3696+3A>G

Gene: PRDM16 (PR/SET domain 16; plus strand). Cytogenetic location: 1p36.32.
Variant type: single nucleotide variant.
Coding change: c.3696+3A>G on transcript NM_022114.4 (MANE Select); 3 bases into the intron after coding-DNA position 3696, A replaced by G.
Molecular consequence: intron variant.
Genome position (GRCh38, 1-based): chr1:3,432,143, A>G. VCF-style: chr1-3432143-A-G. GRCh37 (hg19) VCF-style: chr1-3348707-A-G.
Other names: c.3696+3A>G (NM_199454.3).
Identifiers: ClinVar variation 1945888 (VCV001945888.5), dbSNP rs376126631, ClinGen allele CA544937.

ClinVar aggregate classification (germline): Uncertain significance (1 of 4 stars; one submission).

Conditions:
Left ventricular noncompaction 8 (LVNC8). Identifiers: Orphanet 154, Orphanet 54260, MedGen C3809288, MONDO:0014152, OMIM 615373.

Allele frequency attached by ClinVar (database versions not stated): gnomAD exomes below 0.00001; TOPMed below 0.00001; gnomAD 0.00001; ExAC 0.00002; ESP Exome Variant Server 0.00008.
gnomAD v4.1: 3 of 1,612,240 alleles (0.00019%); highest among the groups gnomAD compares: East Asian, 0.0022%; no homozygotes.

Submission:

Labcorp Genetics (formerly Invitae), Labcorp
Classification: Uncertain significance for Left ventricular noncompaction 8. Last evaluated: 2023-06-15. Review status: criteria provided, single submitter. Criteria: Invitae Variant Classification Sherloc (09022015). Collection method: clinical testing. Allele origin: germline.
Comment: This variant has not been reported in the literature in individuals affected with PRDM16-related conditions. ClinVar contains an entry for this variant (Variation ID: 1945888). Variants that disrupt the consensus splice site are a relatively common cause of aberrant splicing (PMID: 17576681, 9536098). Algorithms developed to predict the effect of sequence changes on RNA splicing suggest that this variant may disrupt the consensus splice site. In summary, the available evidence is currently insufficient to determine the role of this variant in disease. Therefore, it has been classified as a Variant of Uncertain Significance. This variant is present in population databases (rs376126631, gnomAD 0.002%). This sequence change falls in intron 16 of the PRDM16 gene. It does not directly change the encoded amino acid sequence of the PRDM16 protein. It affects a nucleotide within the consensus splice site.

Literature cited by the submitters: PubMed 17576681; PubMed 9536098.